The following is an entry in ClinVar:

ClinVar aggregate classification (germline): Conflicting classifications of pathogenicity. Review status: criteria provided, conflicting classifications (1 of 4 stars). 16 submissions from 16 submitters: Uncertain significance (3); Likely benign (11). 2 of the submissions do not count toward it. Last evaluated 2026-07-01.

Conditions:
Myopathy, congenital, with structured cores and z-line abnormalities. Also called: MULTIPLE STRUCTURED CORE DISEASE; CONGENITAL MYOPATHY 8. Identifiers: MedGen C5231445, MONDO:0032852, OMIM 618654.
Myopathy, distal, 6, adult-onset, autosomal dominant. Identifiers: MedGen C5203349, MONDO:0032853, OMIM 618655.
Dilated cardiomyopathy 1AA (CMD1AA). Also called: Cardiomyopathy, dilated, 1AA, with or without LVNC; CARDIOMYOPATHY, DILATED, 1AA, WITH OR WITHOUT LEFT VENTRICULAR NONCOMPACTION; CARDIOMYOPATHY, FAMILIAL HYPERTROPHIC, 23, WITH OR WITHOUT LEFT VENTRICULAR NONCOMPACTION. Identifiers: Orphanet 154, MedGen C2677338, MONDO:0012808, OMIM 612158.
Intrinsic cardiomyopathy. Identifiers: MedGen CN305117, MONDO:0000591.
ACTN2-related disorder. Also called: ACTN2-related disorders; ACTN2 related condition.
Cardiovascular phenotype. Identifiers: MedGen CN230736.
Primary familial hypertrophic cardiomyopathy (HCM). Identifiers: Orphanet 99739, MedGen C0949658, MeSH D024741, MONDO:0024573. Inheritance: Various modes of inheritance.
Cardiomyopathy (CMYO). Also called: Cardiomyopathies. Identifiers: Orphanet 167848, MedGen C0878544, MONDO:0004994, HP:0001638. Inheritance: Various modes of inheritance.
Primary dilated cardiomyopathy (DCM). Also called: Dilated Cardiomyopathy. Identifiers: Orphanet 217604, MedGen C0007193, MeSH D002311, MONDO:0005021, HP:0001644. Inheritance: Various modes of inheritance.

Allele frequency attached by ClinVar (database versions not stated): gnomAD 0.00067 and 0.00070; gnomAD exomes 0.00115 and 0.00071; 1000 Genomes Project 30x 0.00047; ExAC 0.00070; TOPMed 0.00073; 1000 Genomes Project 0.00060.
gnomAD v4.1: 1,747 of 1,565,058 alleles (0.11%); highest among the groups gnomAD compares: Non-Finnish European, 0.13%; 5 homozygotes.

Submissions (16):

CeGaT Center for Human Genetics Tuebingen
Classification: Likely benign. Last evaluated: 2026-07-01. Review status: criteria provided, single submitter. Criteria: CeGaT Center For Human Genetics Tuebingen Variant Classification Criteria Version 2. Collection method: clinical testing. Allele origin: germline. Affected: yes. Observed: 2 variant alleles.
Comment: ACTN2: BS1

Molecular Diagnostic Laboratory for Inherited Cardiovascular Disease, Montreal Heart Institute
Classification: Likely benign. Last evaluated: 2026-03-27. Review status: criteria provided, single submitter. Criteria: ACMG Guidelines, 2015. Collection method: clinical testing. Allele origin: germline. Affected: no.
Comment: BS1

Labcorp Genetics (formerly Invitae), Labcorp
Classification: Likely benign for Primary familial hypertrophic cardiomyopathy; Dilated cardiomyopathy 1AA. Last evaluated: 2026-02-02. Review status: criteria provided, single submitter. Criteria: Invitae Variant Classification Sherloc (09022015). Collection method: clinical testing. Allele origin: germline.

Mayo Clinic Laboratories, Mayo Clinic
Classification: Likely benign. Last evaluated: 2025-07-24. Review status: criteria provided, single submitter. Criteria: ACMG Guidelines, 2015. Collection method: clinical testing. Allele origin: germline. Observed: 3 variant alleles.
Comment: BS1, BS2_supporting

Blueprint Genetics
Classification: Likely benign. Last evaluated: 2024-10-25. Review status: criteria provided, single submitter. Criteria: ACMG Guidelines, 2015. Collection method: clinical testing. Allele origin: germline.

Molecular Genetics, Royal Melbourne Hospital
Classification: Likely benign for Intrinsic cardiomyopathy. Last evaluated: 2023-07-07. Review status: criteria provided, single submitter. Criteria: ACMG Guidelines, 2015. Collection method: clinical testing. Allele origin: germline. Inheritance: Autosomal dominant inheritance.

CHEO Genetics Diagnostic Laboratory, Children's Hospital of Eastern Ontario
Classification: Likely benign for Cardiomyopathy. Last evaluated: 2023-05-26. Review status: criteria provided, single submitter. Criteria: ACMG Guidelines, 2015. Collection method: clinical testing. Allele origin: germline. Study: Canadian Open Genetics Repository.

GeneDx
Classification: Likely benign. Last evaluated: 2023-05-11. Review status: criteria provided, single submitter. Criteria: GeneDx Variant Classification Process June 2021. Collection method: clinical testing. Allele origin: germline. Affected: yes.
Comment: See Variant Classification Assertion Criteria.

Women's Health and Genetics/Laboratory Corporation of America, LabCorp
Classification: Likely benign. Last evaluated: 2022-09-24. Review status: criteria provided, single submitter. Criteria: LabCorp Variant Classification Summary - May 2015. Collection method: clinical testing. Allele origin: germline.

Ambry Genetics
Classification: Likely benign for Cardiovascular phenotype. Last evaluated: 2019-11-01. Review status: criteria provided, single submitter. Criteria: Ambry Variant Classification Scheme 2023. Collection method: clinical testing. Allele origin: germline.

Illumina Laboratory Services, Illumina
Classification: Uncertain significance for Dilated cardiomyopathy 1AA. Last evaluated: 2017-04-27. Review status: criteria provided, single submitter. Criteria: ICSL Variant Classification Criteria 13 December 2019. Collection method: clinical testing. Allele origin: germline.
Comment: This variant was observed as part of a predisposition screen in an ostensibly healthy population. A literature search was performed for the gene, cDNA change, and amino acid change (where applicable). Publications were found based on this search. However, the evidence from the literature, in combination with allele frequency data from public databases where available, was not sufficient to rule this variant in or out of causing disease. Therefore, this variant is classified as a variant of unknown significance.

Laboratory for Molecular Medicine, Mass General Brigham Personalized Medicine
Classification: Uncertain significance. Last evaluated: 2016-06-14. Review status: criteria provided, single submitter. Criteria: LMM Criteria. Collection method: clinical testing. Allele origin: germline. Observed: 15 variant alleles.
Comment: Variant classified as Uncertain Significance - Favor Benign. The p.Gln9Arg varia nt in ACTN2 has been reported in 2 infants and 2 adults with DCM (including 1 ca rrying a pathogenic variant in another gene), 1 adult with DCM, Afib, AVNRT, 3 a dults with HCM, segregating with disease in 1 affected family member, (and inclu ding 1 carrying a pathogenic variant in another gene), 2 teenagers with LV dilat ion, and 1 adult with LVH (Mohapatra 2003, Bos 2006 abstract, LMM data).This var iant has been identified in 0.1% (71/64536) of European chromosomes by the Exome Aggregation Consortium (ExAC; dbSNP rs121434525 ). In vitro functional studies provide some evidence that the p.Gln9Arg variant may impact protein function (Mohapatra 2003). However, these types of assays may not accurately represent biological function. While animal models provide some evidence for a disease-causing role, this has yet to be confirmed in patients (S anchez 2005 abstract). In summary, while the clinical significance of the p.Gln 9Arg variant is uncertain, these data suggest that it is more likely to be benig n.

Biesecker Lab/Clinical Genomics Section, National Institutes of Health
Classification: Likely benign for Cardiomyopathy, dilated. Last evaluated: 2013-06-24. Review status: criteria provided, single submitter. Criteria: Ng et al. (Circ Cardiovasc Genet. 2013). Collection method: research. Allele origin: unknown. Observed: 1 variant allele. Study: ClinSeq.
Comment: The study set was not selected for affection status in relation to any cancer. Pathogenicity categories were based on literature curation. See Pubmed ID:23861362 for details.

Medical sequencing

Center for Genomics, Ann and Robert H. Lurie Children's Hospital of Chicago
Classification: Uncertain significance for Myopathy, distal, 6, adult-onset, autosomal dominant; Dilated cardiomyopathy 1AA; Myopathy, congenital, with structured cores and z-line abnormalities. Review status: criteria provided, single submitter. Criteria: ACMG Guidelines, 2015. Collection method: clinical testing. Allele origin: germline.
Comment: ACTN2 NM_001103.3 exon 1 p.Gln9Arg (c.26A>G): This variant has been reported in the literature in two individuals with DCM, but did not segregate with disease in one affected family member (Mohapatra 2003 PMID:14567970, Cuenca 2016 PMID:26899768). This variant is also present in 0.1% (135/116270) of European alleles in the Genome Aggregation Database and is present in ClinVar (Variation ID:18313). Evolutionary conservation and computational predictive tools suggest that this variant may not impact the protein. An in vitro functional study did suggest an impact to the protein through disruption of interaction with MLP protein (Mohapatra 2003 PMID:14567970). However, this study may not accurately represent in vivo biological function. In summary, data on this variant is insufficient for disease classification. Therefore, the clinical significance of this variant is uncertain.

PreventionGenetics, part of Exact Sciences
Classification: Likely benign for ACTN2-related condition. Last evaluated: 2022-09-14. Review status: no assertion criteria provided. Collection method: clinical testing. Allele origin: germline. Not counted in ClinVar's aggregate classification.
Comment: This variant is classified as likely benign based on ACMG/AMP sequence variant interpretation guidelines (Richards et al. 2015 PMID: 25741868, with internal and published modifications).

OMIM
Classification: Pathogenic for CARDIOMYOPATHY, DILATED, 1AA. Last evaluated: 2003-09-01. Review status: no assertion criteria provided. Collection method: literature only. Allele origin: germline. Not counted in ClinVar's aggregate classification.

Literature cited by the submitters: PubMed 14567970 (cited by 4 submitters); PubMed 23861362 (cited by 4 submitters); PubMed 26899768 (cited by Mayo Clinic Laboratories, Mayo Clinic and Ambry Genetics); PubMed 27896284 (cited by Mayo Clinic Laboratories, Mayo Clinic and Ambry Genetics); PubMed 32746448 (cited by Mayo Clinic Laboratories, Mayo Clinic); PubMed 34935411 (cited by Mayo Clinic Laboratories, Mayo Clinic); PubMed 23299917 (cited by Ambry Genetics and Laboratory for Molecular Medicine, Mass General Brigham Personalized Medicine); PubMed 24503780 (cited by Ambry Genetics).

NM_001103.4(ACTN2):c.26A>G (p.Gln9Arg)

Gene: ACTN2 (actinin alpha 2; plus strand). Cytogenetic location: 1q43.
Variant type: single nucleotide variant.
Coding change: c.26A>G on transcript NM_001103.4 (MANE Select); coding-DNA position 26, A replaced by G.
Protein change: p.Gln9Arg; replaces glutamine 9 with arginine.
Molecular consequence: missense variant. On other transcripts: 5 prime UTR variant (1).
Genome position (GRCh38, 1-based): chr1:236,686,699, A>G. VCF-style: chr1-236686699-A-G. GRCh37 (hg19) VCF-style: chr1-236849999-A-G.
Other names: p.Q9R:CAG>CGG; c.26A>G, p.Gln9Arg (NM_001278343.2); c.-796A>G (NM_001278344.2); short protein forms Q9R.
Identifiers: ClinVar variation 18313 (VCV000018313.42), dbSNP rs121434525, ClinGen allele CA090885.